The following is an entry in ClinVar:

ClinVar aggregate classification (germline): Uncertain significance (1 of 4 stars; one submission).

Submission:

GeneDx
Classification: Uncertain significance. Last evaluated: 2024-07-30. Review status: criteria provided, single submitter. Criteria: GeneDx Variant Classification Process June 2021. Collection method: clinical testing. Allele origin: germline. Affected: yes.
Comment: Not observed at significant frequency in large population cohorts (gnomAD); In silico analysis supports that this missense variant has a deleterious effect on protein structure/function; Has not been previously published as pathogenic or benign to our knowledge

NM_002480.3(PPP1R12A):c.695G>A (p.Gly232Asp)

Gene: PPP1R12A (protein phosphatase 1 regulatory subunit 12A; minus strand). Cytogenetic location: 12q21.2.
Variant type: single nucleotide variant.
Coding change: c.695G>A on transcript NM_002480.3 (MANE Select); coding-DNA position 695, G replaced by A.
Protein change: p.Gly232Asp; replaces glycine 232 with aspartic acid.
Molecular consequence: missense variant.
Genome position (GRCh38, 1-based): chr12:79,828,417, C>T on the plus strand (G>A on the coding strand, the complement: PPP1R12A is on the minus strand). VCF-style: chr12-79828417-C-T. GRCh37 (hg19) VCF-style: chr12-80222197-C-T.
Other names: c.695G>A, p.Gly232Asp (NM_001143885.2, NM_001244990.2, NM_001244992.1); c.434G>A, p.Gly145Asp (NM_001143886.2); short protein forms G145D, G232D.
Identifiers: ClinVar variation 3602355 (VCV003602355.1).